The following is an entry in ClinVar:

NM_152564.5(VPS13B):c.897C>G (p.Asp299Glu)

Gene: VPS13B (vacuolar protein sorting 13 homolog B; plus strand). Cytogenetic location: 8q22.2.
Variant type: single nucleotide variant.
Coding change: c.897C>G on transcript NM_152564.5 (MANE Select); coding-DNA position 897, C replaced by G.
Protein change: p.Asp299Glu; replaces aspartic acid 299 with glutamic acid.
Molecular consequence: missense variant. On other transcripts: non-coding transcript variant (1).
Genome position (GRCh38, 1-based): chr8:99,115,834, C>G. VCF-style: chr8-99115834-C-G. GRCh37 (hg19) VCF-style: chr8-100128062-C-G.
Other names: c.897C>G, p.Asp299Glu (NM_015243.3, NM_017890.5, NM_181661.3); c.897C>G (NM_152564.4); short protein forms D299E.
Identifiers: ClinVar variation 910231 (VCV000910231.17), dbSNP rs146883974, ClinGen allele CA4822496.
Genomic context (GRCh38, chr8:99,115,834, plus strand): 5'-ACTTGGAATTGCTCTTTACTATGGAGAAATAGGCAATTTTAAAGAAGGCGAAATAGAGGA[C>G]CTTACTTGTCATAATAAAGATATGCTAGGAAACATTACAGGTAATGTAAAACTTTATTAA-3'
Protein context (NP_689777.3, residues 289-309): IGNFKEGEIE[Asp299Glu]LTCHNKDMLG

ClinVar aggregate classification (germline): Uncertain significance. Review status: criteria provided, multiple submitters, no conflicts (2 of 4 stars). 6 submissions from 6 submitters: Uncertain significance (6). Last evaluated 2026-08-05.

Conditions:
VPS13B-related disorder. Also called: VPS13B-related condition.
Cohen syndrome (COH1). Also called: PEPPER SYNDROME; Cutis verticis gyrata, retinitis pigmentosa, and sensorineural deafness. Identifiers: Orphanet 193, MedGen C0265223, MONDO:0008999, OMIM 216550.

Allele frequency attached by ClinVar (database versions not stated): gnomAD 0.00002; TOPMed 0.00002; ExAC 0.00004; gnomAD exomes 0.00004.
gnomAD v4.1: 71 of 1,613,322 alleles (0.0044%); highest among the groups gnomAD compares: Middle Eastern, 0.017%; no homozygotes.

Submissions (6):

PreventionGenetics, part of Exact Sciences
Classification: Uncertain significance for VPS13B-related condition. Last evaluated: 2026-08-05. Review status: criteria provided, single submitter. Criteria: ACMG Guidelines, 2015. Collection method: clinical testing. Allele origin: germline.
Comment: The VPS13B c.897C>G variant is predicted to result in the amino acid substitution p.Asp299Glu. To our knowledge, this variant has not been reported in the literature. This variant is reported in 0.0070% of alleles in individuals of European (Non-Finnish) descent in gnomAD. At this time, the clinical significance of this variant is uncertain due to the absence of conclusive functional and genetic evidence.

CeGaT Center for Human Genetics Tuebingen
Classification: Uncertain significance. Last evaluated: 2025-07-01. Review status: criteria provided, single submitter. Criteria: CeGaT Center For Human Genetics Tuebingen Variant Classification Criteria Version 2. Collection method: clinical testing. Allele origin: germline. Affected: yes. Observed: 1 variant allele.
Comment: VPS13B: PM2, BP4

Blueprint Genetics
Classification: Uncertain significance. Last evaluated: 2024-09-19. Review status: criteria provided, single submitter. Criteria: ACMG Guidelines, 2015. Collection method: clinical testing. Allele origin: germline.

Labcorp Genetics (formerly Invitae), Labcorp
Classification: Uncertain significance for Cohen syndrome. Last evaluated: 2022-08-19. Review status: criteria provided, single submitter. Criteria: Invitae Variant Classification Sherloc (09022015). Collection method: clinical testing. Allele origin: germline.
Comment: This sequence change replaces aspartic acid, which is acidic and polar, with glutamic acid, which is acidic and polar, at codon 299 of the VPS13B protein (p.Asp299Glu). This variant is present in population databases (rs146883974, gnomAD 0.007%). This variant has not been reported in the literature in individuals affected with VPS13B-related conditions. ClinVar contains an entry for this variant (Variation ID: 910231). Algorithms developed to predict the effect of missense changes on protein structure and function output the following: SIFT: "Not Available"; PolyPhen-2: "Benign"; Align-GVGD: "Not Available". The glutamic acid amino acid residue is found in multiple mammalian species, which suggests that this missense change does not adversely affect protein function. In summary, the available evidence is currently insufficient to determine the role of this variant in disease. Therefore, it has been classified as a Variant of Uncertain Significance.

Fulgent Genetics
Classification: Uncertain significance for Cohen syndrome. Last evaluated: 2021-10-14. Review status: criteria provided, single submitter. Criteria: ACMG Guidelines, 2015. Collection method: clinical testing. Allele origin: unknown.

Illumina Laboratory Services, Illumina
Classification: Uncertain significance for Cohen syndrome. Last evaluated: 2018-01-13. Review status: criteria provided, single submitter. Criteria: ICSL Variant Classification Criteria 13 December 2019. Collection method: clinical testing. Allele origin: germline.